The following is an entry in ClinVar:

ClinVar aggregate classification (germline): Uncertain significance (0 of 4 stars; one submission).

Conditions:
FAN1-related disorder. Also called: FAN1-related condition.

gnomAD v4.1: 1 of 1,613,844 alleles (0.000062%); highest among the groups gnomAD compares: African/African-American, 0.0013%; no homozygotes.

Submission:

PreventionGenetics, part of Exact Sciences
Classification: Uncertain significance for FAN1-related condition. Last evaluated: 2024-08-19. Review status: no assertion criteria provided. Collection method: clinical testing. Allele origin: germline.
Comment: The FAN1 c.563T>A variant is predicted to result in the amino acid substitution p.Val188Asp. To our knowledge, this variant has not been reported in the literature or in gnomAD, indicating this variant is rare. This variant has not been reported in ClinVar. At this time, the clinical significance of this variant is uncertain due to the absence of conclusive functional and genetic evidence.

NM_014967.5(FAN1):c.563T>A (p.Val188Asp)

Gene: FAN1 (FANCD2 and FANCI associated nuclease 1; plus strand). Cytogenetic location: 15q13.3.
Variant type: single nucleotide variant.
Coding change: c.563T>A on transcript NM_014967.5 (MANE Select); coding-DNA position 563, T replaced by A.
Protein change: p.Val188Asp; replaces valine 188 with aspartic acid.
Molecular consequence: missense variant.
Genome position (GRCh38, 1-based): chr15:30,905,226, T>A. VCF-style: chr15-30905226-T-A. GRCh37 (hg19) VCF-style: chr15-31197429-T-A.
Other names: c.563T>A, p.Val188Asp (NM_001146094.2, NM_001146095.1, NM_001146096.2); short protein forms V188D.
Identifiers: ClinVar variation 3344388 (VCV003344388.1).
Genomic context (GRCh38, chr15:30,905,226, plus strand): 5'-AATCAATAGATAAGGATGAAGAATTTGCCGGTTCTAGTCCACAGAGTTCCAAATCCACAG[T>A]TGTTAAGAGCCTGATTGATAACTCTTCAGAAATTGAGGACGAGGATCAAATTTTGGAGAA-3'
Protein context (NP_055782.3, residues 178-198): GSSPQSSKST[Val188Asp]VKSLIDNSSE